The following is an entry in ClinVar:

ClinVar aggregate classification (germline): Uncertain significance (1 of 4 stars; one submission).

Conditions:
Glycogen storage disease IXb (GSD9B). Also called: PHOSPHORYLASE KINASE DEFICIENCY OF LIVER AND MUSCLE, AUTOSOMAL RECESSIVE; GLYCOGENOSIS OF LIVER AND MUSCLE, AUTOSOMAL RECESSIVE; GSD IXb. Identifiers: Orphanet 79240, MedGen C0543514, MONDO:0009868, OMIM 261750.

Allele frequency attached by ClinVar (database versions not stated): gnomAD 0.00001; ExAC 0.00002; gnomAD exomes 0.00002; TOPMed 0.00002; 1000 Genomes Project 30x 0.00016; 1000 Genomes Project 0.00020.
gnomAD v4.1: 37 of 1,613,916 alleles (0.0023%); highest among the groups gnomAD compares: South Asian, 0.014%; no homozygotes.

Submission:

Labcorp Genetics (formerly Invitae), Labcorp
Classification: Uncertain significance for Glycogen storage disease IXb. Last evaluated: 2022-07-06. Review status: criteria provided, single submitter. Criteria: Invitae Variant Classification Sherloc (09022015). Collection method: clinical testing. Allele origin: germline.
Comment: This sequence change replaces arginine, which is basic and polar, with cysteine, which is neutral and slightly polar, at codon 890 of the PHKB protein (p.Arg890Cys). This variant is present in population databases (rs555108367, gnomAD 0.01%). This variant has not been reported in the literature in individuals affected with PHKB-related conditions. ClinVar contains an entry for this variant (Variation ID: 1408503). Algorithms developed to predict the effect of missense changes on protein structure and function are either unavailable or do not agree on the potential impact of this missense change (SIFT: "Deleterious"; PolyPhen-2: "Possibly Damaging"; Align-GVGD: "Class C15"). In summary, the available evidence is currently insufficient to determine the role of this variant in disease. Therefore, it has been classified as a Variant of Uncertain Significance.

NM_000293.3(PHKB):c.2668C>T (p.Arg890Cys)

Gene: PHKB (phosphorylase kinase regulatory subunit beta; plus strand). Cytogenetic location: 16q12.1.
Variant type: single nucleotide variant.
Coding change: c.2668C>T on transcript NM_000293.3 (MANE Select); coding-DNA position 2668, C replaced by T.
Protein change: p.Arg890Cys; replaces arginine 890 with cysteine.
Molecular consequence: missense variant.
Genome position (GRCh38, 1-based): chr16:47,689,078, C>T. VCF-style: chr16-47689078-C-T. GRCh37 (hg19) VCF-style: chr16-47722989-C-T.
Other names: c.2647C>T, p.Arg883Cys (NM_001031835.3); c.2668C>T, p.Arg890Cys (NM_001363837.1); short protein forms R883C, R890C.
Identifiers: ClinVar variation 1408503 (VCV001408503.5), dbSNP rs555108367, ClinGen allele CA8041306.